The following is an entry in ClinVar:

ClinVar aggregate classification (germline): Uncertain significance (1 of 4 stars; one submission).

Conditions:
Mowat-Wilson syndrome (MOWS). Also called: Classic Mowat-Wilson Syndrome. Identifiers: Orphanet 2152, MedGen C1856113, MONDO:0009341, OMIM 235730.

Submission:

Labcorp Genetics (formerly Invitae), Labcorp
Classification: Uncertain significance for Mowat-Wilson syndrome. Last evaluated: 2024-04-25. Review status: criteria provided, single submitter. Criteria: Invitae Variant Classification Sherloc (09022015). Collection method: clinical testing. Allele origin: germline.
Comment: This sequence change replaces glutamic acid, which is acidic and polar, with valine, which is neutral and non-polar, at codon 123 of the ZEB2 protein (p.Glu123Val). This variant is not present in population databases (gnomAD no frequency). This variant has not been reported in the literature in individuals affected with ZEB2-related conditions. An algorithm developed to predict the effect of missense changes on protein structure and function (PolyPhen-2) suggests that this variant is likely to be tolerated. In summary, the available evidence is currently insufficient to determine the role of this variant in disease. Therefore, it has been classified as a Variant of Uncertain Significance.

NM_014795.4(ZEB2):c.368A>T (p.Glu123Val)

Gene: ZEB2 (zinc finger E-box binding homeobox 2; minus strand). Cytogenetic location: 2q22.3.
Variant type: single nucleotide variant.
Coding change: c.368A>T on transcript NM_014795.4 (MANE Select); coding-DNA position 368, A replaced by T.
Protein change: p.Glu123Val; replaces glutamic acid 123 with valine.
Molecular consequence: missense variant. On other transcripts: intron variant (1).
Genome position (GRCh38, 1-based): chr2:144,424,831, T>A on the plus strand (A>T on the coding strand, the complement: ZEB2 is on the minus strand). VCF-style: chr2-144424831-T-A. GRCh37 (hg19) VCF-style: chr2-145182398-T-A.
Other names: c.331+4938A>T (NM_001171653.2); short protein forms E123V.
Identifiers: ClinVar variation 3716668 (VCV003716668.2).